The following is an entry in ClinVar:

NM_001378457.1(DMXL2):c.7250G>A (p.Arg2417His)

Gene: DMXL2 (Dmx like 2; minus strand). Cytogenetic location: 15q21.2.
Variant type: single nucleotide variant.
Coding change: c.7250G>A on transcript NM_001378457.1 (MANE Select); coding-DNA position 7250, G replaced by A.
Protein change: p.Arg2417His; replaces arginine 2417 with histidine.
Molecular consequence: missense variant. On other transcripts: non-coding transcript variant (2).
Genome position (GRCh38, 1-based): chr15:51,471,365, C>T on the plus strand (G>A on the coding strand, the complement: DMXL2 is on the minus strand). VCF-style: chr15-51471365-C-T. GRCh37 (hg19) VCF-style: chr15-51763562-C-T.
Other names: c.7250G>A, p.Arg2417His (NM_001174116.3, NM_001378459.1, NM_001378461.1 and 1 more transcripts); c.5339G>A, p.Arg1780His (NM_001174117.3); c.7247G>A, p.Arg2416His (NM_001378458.1, NM_001378462.1, NM_015263.5); c.5228G>A, p.Arg1743His (NM_001378460.1); c.7007G>A, p.Arg2336His (NM_001378464.1); short protein forms R2417H, R2416H, R1780H, R1743H, R2336H.
Identifiers: ClinVar variation 431430 (VCV000431430.14), dbSNP rs754786373, ClinGen allele CA7561375.

ClinVar aggregate classification (germline): Conflicting classifications of pathogenicity. Review status: criteria provided, conflicting classifications (1 of 4 stars). 5 submissions from 5 submitters: Likely pathogenic (1); Uncertain significance (3). 1 of the submissions does not count toward it. Last evaluated 2025-09-08.

Conditions:
Hearing loss, autosomal dominant 71. Also called: DEAFNESS, AUTOSOMAL DOMINANT 71. Identifiers: MedGen C4539881, MONDO:0033258, OMIM 617605.

Allele frequency attached by ClinVar (database versions not stated): gnomAD exomes 0.00002 and 0.00004; TOPMed 0.00002; ExAC 0.00003; gnomAD 0.00003.
gnomAD v4.1: 35 of 1,613,218 alleles (0.0022%); highest among the groups gnomAD compares: Non-Finnish European, 0.0029%; no homozygotes.

Submissions (5):

Labcorp Genetics (formerly Invitae), Labcorp
Classification: Uncertain significance. Last evaluated: 2025-09-08. Review status: criteria provided, single submitter. Criteria: Invitae Variant Classification Sherloc (09022015). Collection method: clinical testing. Allele origin: germline.
Comment: This sequence change replaces arginine, which is basic and polar, with histidine, which is basic and polar, at codon 2417 of the DMXL2 protein (p.Arg2417His). This variant is present in population databases (rs754786373, gnomAD 0.008%). This missense change has been observed in individual(s) with autosomal dominant non-syndromic hearing loss (PMID: 27657680, 36633841). ClinVar contains an entry for this variant (Variation ID: 431430). An algorithm developed to predict the effect of missense changes on protein structure and function (PolyPhen-2) suggests that this variant is likely to be disruptive. In summary, the available evidence is currently insufficient to determine the role of this variant in disease. Therefore, it has been classified as a Variant of Uncertain Significance.

Dasa
Classification: Uncertain significance. Last evaluated: 2025-06-19. Review status: criteria provided, single submitter. Criteria: DASA Assertion Criteria. Collection method: clinical testing. Allele origin: germline.
Comment: NM_001378457.1(DMXL2):c.7250G>A (p.Arg2417His) is a missense variant that results in the substitution of arginine with histidine. This variant has been reported in individuals with DMXL2-related disorders (PMID: 27657680). Segregation data support an association with disease in the reported family/families (PMID: 27657680). Also, this variant is rare in population databases. Computational prediction algorithms are consistent with a benign effect. The currently available literature and clinical evidence are not sufficient to establish a definitive association between this variant and the reported condition. Therefore, this variant is classified as a variant of uncertain significance.

Blueprint Genetics
Classification: Uncertain significance. Last evaluated: 2024-09-10. Review status: criteria provided, single submitter. Criteria: ACMG Guidelines, 2015. Collection method: clinical testing. Allele origin: germline.

King Laboratory, University of Washington
Classification: Likely pathogenic for Hearing loss, autosomal dominant 71. Last evaluated: 2023-02-28. Review status: criteria provided, single submitter. Criteria: Li et al. (Genet Med. 2022). Collection method: research. Allele origin: unknown. Affected: yes.
Comment: This patient’s family has no other history of hearing loss. This variant is a missense at a completely conserved site and is predicted to be damaging by multiple in-silico tools. As of January 2023, this variant has been reported to ClinVar as likely pathogenic and is found in 9 heterozygotes on gnomAD. Based on consistently predicted functional effect, literature evidence of pathogenicity, and goodness of fit of genotype to phenotype, we conclude that this variant is likely pathogenic.

OMIM
Classification: Pathogenic for DEAFNESS, AUTOSOMAL DOMINANT 71. Last evaluated: 2021-05-05. Review status: no assertion criteria provided. Collection method: literature only. Allele origin: germline. Not counted in ClinVar's aggregate classification.

Literature cited by the submitters: PubMed 27657680 (cited by 3 submitters); PubMed 36633841 (cited by Labcorp Genetics (formerly Invitae), Labcorp and King Laboratory, University of Washington).